The following is an entry in ClinVar:

NM_004370.6(COL12A1):c.8365G>C (p.Gly2789Arg)

Gene: COL12A1 (collagen type XII alpha 1 chain; minus strand). Cytogenetic location: 6q13.
Variant type: single nucleotide variant.
Coding change: c.8365G>C on transcript NM_004370.6 (MANE Select); coding-DNA position 8365, G replaced by C.
Protein change: p.Gly2789Arg; replaces glycine 2789 with arginine.
Molecular consequence: missense variant.
Genome position (GRCh38, 1-based): chr6:75,102,647, C>G on the plus strand (G>C on the coding strand, the complement: COL12A1 is on the minus strand). VCF-style: chr6-75102647-C-G. GRCh37 (hg19) VCF-style: chr6-75812363-C-G.
Other names: c.4873G>C, p.Gly1625Arg (NM_080645.3); short protein forms G1625R, G2789R.
Identifiers: ClinVar variation 949110 (VCV000949110.10), dbSNP rs1768359621, ClinGen allele CA364739609.

ClinVar aggregate classification (germline): Conflicting classifications of pathogenicity. Review status: criteria provided, conflicting classifications (1 of 4 stars). 4 submissions from 4 submitters: Pathogenic (1); Likely pathogenic (1); Uncertain significance (2). Last evaluated 2025-02-15.

Conditions:
Ullrich congenital muscular dystrophy 2 (UCMD2). Identifiers: Orphanet 75840, MedGen C4225314, MONDO:0014654, OMIM 616470.
Bethlem myopathy 2 (BTHLM2). Identifiers: Orphanet 536516, Orphanet 610, MedGen C4225313, MONDO:0034022, OMIM 616471.

Submissions (4):

Labcorp Genetics (formerly Invitae), Labcorp
Classification: Uncertain significance for Bethlem myopathy 2; Ullrich congenital muscular dystrophy 2. Last evaluated: 2025-02-15. Review status: criteria provided, single submitter. Criteria: Invitae Variant Classification Sherloc (09022015). Collection method: clinical testing. Allele origin: germline.
Comment: This sequence change replaces glycine, which is neutral and non-polar, with arginine, which is basic and polar, at codon 2789 of the COL12A1 protein (p.Gly2789Arg). This variant is not present in population databases (gnomAD no frequency). This missense change has been observed in individuals with clinical features of COL12A1-related conditions and/or myopathic Ehlers-Danlos syndrome (internal data). ClinVar contains an entry for this variant (Variation ID: 949110). Invitae Evidence Modeling of protein sequence and biophysical properties (such as structural, functional, and spatial information, amino acid conservation, physicochemical variation, residue mobility, and thermodynamic stability) indicates that this missense variant is not expected to disrupt COL12A1 protein function with a negative predictive value of 80%. In summary, the available evidence is currently insufficient to determine the role of this variant in disease. Therefore, it has been classified as a Variant of Uncertain Significance.

GeneDx
Classification: Pathogenic. Last evaluated: 2024-06-06. Review status: criteria provided, single submitter. Criteria: GeneDx Variant Classification Process June 2021. Collection method: clinical testing. Allele origin: germline. Affected: yes.
Comment: Has not been previously published as pathogenic or benign to our knowledge; In silico analysis supports that this missense variant has a deleterious effect on protein structure/function; Not observed at significant frequency in large population cohorts (gnomAD)

MGZ Medical Genetics Center
Classification: Uncertain significance for Bethlem myopathy 2. Last evaluated: 2022-06-27. Review status: criteria provided, single submitter. Criteria: ACMG Guidelines, 2015. Collection method: clinical testing. Allele origin: germline. Affected: yes. Observed: 2 variant alleles.
Comment: ACMG criteria applied: PM1, PM2_SUP, PP3

Juno Genomics, Hangzhou Juno Genomics, Inc
Classification: Likely pathogenic for Ullrich congenital muscular dystrophy 2; Bethlem myopathy 2. Review status: criteria provided, single submitter. Criteria: ACMG Guidelines, 2015. Collection method: clinical testing. Allele origin: germline. Affected: yes.
Comment: Absent from controls (or at extremely low frequency if recessive) in Genome Aggregation Database.;Multiple lines of computational evidence support a deleterious effect on the gene or gene product.;Missense variant in a gene that has a low rate of benign missense variation.